The following is an entry in ClinVar:

NM_014252.4(SLC25A15):c.98_101del (p.Met33fs)

Gene: SLC25A15 (solute carrier family 25 member 15; plus strand). Cytogenetic location: 13q14.11.
Variant type: Deletion.
Coding change: c.98_101del on transcript NM_014252.4 (MANE Select); coding-DNA positions 98 to 101, 4 bases deleted (TGAA; older notation c.98_101delTGAA).
Protein change: p.Met33fs; shifts the reading frame from methionine 33.
Molecular consequence: frameshift variant. On other transcripts: non-coding transcript variant (2).
Genome position (GRCh38, 1-based): chr13:40,799,099-40,799,102, TGAA deleted; deleting any 4 consecutive bases within chr13:40,799,097-40,799,102 gives the same sequence; the c. name uses the placement nearest the transcript's 3' end. VCF-style (leftmost placement, unchanged base first): chr13-40799096-CAATG-C. GRCh37 (hg19) VCF-style: chr13-41373232-CAATG-C.
Other names: c.98_101del (NM_014252.3); short protein forms M33fs.
Identifiers: ClinVar variation 2643779 (VCV002643779.29), dbSNP rs752415542, ClinGen allele CA6959625.

ClinVar aggregate classification (germline): Pathogenic/Likely pathogenic. Review status: criteria provided, multiple submitters, no conflicts (2 of 4 stars). 3 submissions from 3 submitters: Pathogenic (2); Likely pathogenic (1). Last evaluated 2025-01-23.

Conditions:
Hyperornithinemia-hyperammonemia-homocitrullinuria syndrome (HHHS). Also called: HHH SYNDROME; Ornithine translocase deficiency. Identifiers: Orphanet 415, MedGen C0268540, MONDO:0009393, OMIM 238970.

Submissions (3):

Natera, Inc.
Classification: Likely pathogenic for Hyperornithinemia-hyperammonemia-homocitrullinuria syndrome. Last evaluated: 2025-01-23. Review status: criteria provided, single submitter. Criteria: Natera Variant Classification Schema (03/2026). Collection method: clinical testing. Allele origin: germline.
Comment: The c.98_101del variant in SLC25A15 is a frameshift variant predicted to shift the reading frame beginning at codon 33 and leads to a stop codon 2 codons downstream. This variant is expected to result in nonsense mediated decay, truncation, or a dysfunctional protein product. This variant is rare in the general population with a frequency below the threshold expected for the associated phenotype(s). Given the available evidence, this variant is classified as Likely Pathogenic.

CeGaT Center for Human Genetics Tuebingen
Classification: Pathogenic. Last evaluated: 2023-10-01. Review status: criteria provided, single submitter. Criteria: CeGaT Center For Human Genetics Tuebingen Variant Classification Criteria Version 2. Collection method: clinical testing. Allele origin: germline. Affected: yes. Observed: 1 variant allele.
Comment: SLC25A15: PVS1, PM2, PM3:Supporting

Labcorp Genetics (formerly Invitae), Labcorp
Classification: Pathogenic for Hyperornithinemia-hyperammonemia-homocitrullinuria syndrome. Last evaluated: 2023-01-17. Review status: criteria provided, single submitter. Criteria: Invitae Variant Classification Sherloc (09022015). Collection method: clinical testing. Allele origin: germline.
Comment: This sequence change creates a premature translational stop signal (p.Met33Lysfs*2) in the SLC25A15 gene. It is expected to result in an absent or disrupted protein product. Loss-of-function variants in SLC25A15 are known to be pathogenic (PMID: 11552031, 19242930). This variant is present in population databases (rs752415542, gnomAD 0.003%). This variant has not been reported in the literature in individuals affected with SLC25A15-related conditions. For these reasons, this variant has been classified as Pathogenic.

Literature cited by the submitters: PubMed 11552031 (cited by Labcorp Genetics (formerly Invitae), Labcorp); PubMed 19242930 (cited by Labcorp Genetics (formerly Invitae), Labcorp).